The following is an entry in ClinVar:

NM_001384140.1(PCDH15):c.1737C>G (p.Tyr579Ter)

Gene: PCDH15 (protocadherin related 15; minus strand). Cytogenetic location: 10q21.1.
Variant type: single nucleotide variant.
Coding change: c.1737C>G on transcript NM_001384140.1 (MANE Select); coding-DNA position 1737, C replaced by G.
Protein change: p.Tyr579Ter; replaces tyrosine 579 with a stop codon.
Molecular consequence: nonsense.
Genome position (GRCh38, 1-based): chr10:54,153,147, G>C on the plus strand (C>G on the coding strand, the complement: PCDH15 is on the minus strand). VCF-style: chr10-54153147-G-C. GRCh37 (hg19) VCF-style: chr10-55912907-G-C.
Other names: NM_001384140.1(PCDH15):c.1737C>G; p.Tyr579Ter; c.1626C>G, p.Tyr542Ter (NM_001142767.2); c.1671C>G, p.Tyr557Ter (NM_001142768.2, NM_001142773.2, NM_001354404.2); c.1773C>G, p.Tyr591Ter (NM_001142769.4); c.1737C>G, p.Tyr579Ter (NM_001142770.3, NM_001142772.2, NM_001354420.2 and 6 more transcripts); c.1752C>G, p.Tyr584Ter (NM_001142771.2, NM_001142763.2); c.1758C>G, p.Tyr586Ter (NM_001354411.2); short protein forms Y579*, Y542*, Y557*, Y584*, Y586*, Y591*.
Identifiers: ClinVar variation 371411 (VCV000371411.24), dbSNP rs1057517251, ClinGen allele CA5506283.

ClinVar aggregate classification (germline): Pathogenic/Likely pathogenic. Review status: criteria provided, multiple submitters, no conflicts (2 of 4 stars). 11 submissions from 11 submitters: Pathogenic (9); Likely pathogenic (1). 1 of the submissions does not count toward it. Last evaluated 2026-04-27.

Conditions:
Childhood onset hearing loss.
PCDH15-related disorder. Also called: PCDH15-related condition; PCDH15-related disorders.
Autosomal recessive nonsyndromic hearing loss 23. Identifiers: Orphanet 90636, MedGen C1836027, MONDO:0012293, OMIM 609533.
Usher syndrome type 1F (USH1F). Also called: USHER SYNDROME, TYPE IF. Identifiers: Orphanet 231169, Orphanet 886, MedGen C1865885, MONDO:0011186, OMIM 602083.

Allele frequency attached by ClinVar (database versions not stated): gnomAD exomes below 0.00001; ExAC 0.00001; TOPMed 0.00001.
gnomAD v4.1: 9 of 1,613,778 alleles (0.00056%); highest among the groups gnomAD compares: Admixed American, 0.0033%; no homozygotes.

Submissions (11):

PreventionGenetics, part of Exact Sciences
Classification: Pathogenic for PCDH15-related condition. Last evaluated: 2026-04-27. Review status: criteria provided, single submitter. Criteria: ACMG Guidelines, 2015. Collection method: clinical testing. Allele origin: germline.
Comment: The PCDH15 c.1737C>G variant is predicted to result in premature protein termination (p.Tyr579*). This variant has been reported as pathogenic for Usher syndrome (also described as c.1752C>G p.Tyr584Ter; Jaijo et al. 2012. PubMed ID: 22815625; Kletke et al. 2017. PubMed ID: 27743452; Soares de Lima et al. 2018. PubMed ID: 30390570; Table S3, Batissoco et al. 2021. PubMed ID: 34599368). This variant is reported in 0.0029% of alleles in individuals of Latino descent in gnomAD. Nonsense variants in PCDH15 are expected to be pathogenic. This variant is interpreted as pathogenic.

Dasa
Classification: Pathogenic. Last evaluated: 2025-10-28. Review status: criteria provided, single submitter. Criteria: DASA Assertion Criteria. Collection method: clinical testing. Allele origin: germline.
Comment: NM_001384140.1(PCDH15):c.1737C>G (p.Tyr579*) introduces a premature termination codon predicted to result in loss of normal protein function. Loss-of-function is an established mechanism of disease for this gene. This variant has been recurrently observed in individuals with related phenotype (PMID: 22815625; PMID: 30459346; PMID: 27743452). The variant is present at low frequency in population datasets. Based on the available data, this variant is classified as pathogenic.

Natera, Inc.
Classification: Pathogenic for Usher syndrome type 1F. Last evaluated: 2025-06-30. Review status: criteria provided, single submitter. Criteria: Natera Variant Classification Schema (03/2026). Collection method: clinical testing. Allele origin: germline.
Comment: The c.1737C>G variant in PCDH15 is a nonsense variant predicted to introduce a stop codon at amino acid 579. This variant is expected to result in nonsense mediated decay, truncation, or a dysfunctional protein product. This variant is rare in the general population with a frequency below the threshold expected for the associated phenotype(s). This variant has been observed in one or more individuals affected with the associated recessive disease, as either homozygous or compound heterozygous with a second variant (PMID: 30390570, 27743452, 36979683). Given the available evidence, this variant is classified as Pathogenic.

Baylor Genetics
Classification: Pathogenic for Autosomal recessive nonsyndromic hearing loss 23. Last evaluated: 2024-03-12. Review status: criteria provided, single submitter. Criteria: ACMG Guidelines, 2015. Collection method: clinical testing. Allele origin: unknown.

Labcorp Genetics (formerly Invitae), Labcorp
Classification: Pathogenic. Last evaluated: 2023-11-27. Review status: criteria provided, single submitter. Criteria: Invitae Variant Classification Sherloc (09022015). Collection method: clinical testing. Allele origin: germline.
Comment: This sequence change creates a premature translational stop signal (p.Tyr579*) in the PCDH15 gene. It is expected to result in an absent or disrupted protein product. Loss-of-function variants in PCDH15 are known to be pathogenic (PMID: 11398101, 11487575, 14570705). This variant is present in population databases (no rsID available, gnomAD 0.003%). This premature translational stop signal has been observed in individuals with Usher syndrome (PMID: 22815625, 27743452, 30459346). This variant is also known as Tyr584X. ClinVar contains an entry for this variant (Variation ID: 371411). For these reasons, this variant has been classified as Pathogenic.

Broad Center for Mendelian Genomics, Broad Institute of MIT and Harvard
Classification: Pathogenic for Usher syndrome type 1F. Last evaluated: 2023-01-24. Review status: criteria provided, single submitter. Criteria: ACMG Guidelines, 2015. Collection method: curation. Allele origin: germline. Inheritance: Autosomal recessive inheritance.
Comment: The p.Tyr579Ter variant in PCDH15 has been reported in 4 individuals with Usher syndrome type 1F (PMID: 27743452, 30390570, 30459346, 22815625) and has been identified in 0.003% (1/34534) of Latino/Admixed American chromosomes by the Genome Aggregation Database (gnomAD; dbSNP ID: rs1057517251). Although this variant has been seen in the general population in a heterozygous state, its frequency is low enough to be consistent with a recessive carrier frequency. This variant has also been reported in ClinVar (Variation ID#: 371411) and has been interpreted as pathogenic or likely pathogenic by Counsyl, Invitae, Women's Health and Genetics/Laboratory Corporation of America (LabCorp), Blueprint Genetics, and National Institute on Deafness and Communication Disorders (National Institutes of Health). Of the 4 affected individuals, 2 of those were homozygotes, which increases the likelihood that the p.Tyr579Ter variant is pathogenic (PMID: 30390570, 30459346). This nonsense variant leads to a premature termination codon at position 579, which is predicted to lead to a truncated or absent protein. Loss of function of the PCDH15 gene is an established disease mechanism in autosomal recessive Usher syndrome type 1F. In summary, this variant meets criteria to be classified as pathogenic for autosomal recessive Usher syndrome type 1F. ACMG/AMP Criteria applied: PVS1, PM3, PM2_supporting (Richards 2015).

GeneDx
Classification: Pathogenic. Last evaluated: 2022-06-24. Review status: criteria provided, single submitter. Criteria: GeneDx Variant Classification Process June 2021. Collection method: clinical testing. Allele origin: germline. Affected: yes.
Comment: Nonsense variant predicted to result in protein truncation or nonsense mediated decay in a gene for which loss of function is a known mechanism of disease; Not observed at significant frequency in large population cohorts (gnomAD); This variant is associated with the following publications: (PMID: 23451239, 27743452, 30390570, 31589614, 30459346, 22815625)

National Institute on Deafness and Communication Disorders, National Institutes of Health
Classification: Pathogenic for Childhood onset hearing loss. Last evaluated: 2021-07-08. Review status: criteria provided, single submitter. Criteria: ClinGen HL ACMG Specifications v1. Collection method: research. Allele origin: germline, paternal. Inheritance: Autosomal recessive inheritance. Affected: yes. Observed: 6 compound heterozygotes. Clinical features observed: Childhood onset hearing loss. Segregation with disease observed.
Comment: PVS1, PS1, PM1, PM2, PP1_moderate (1.33) / Modifications from PMID: 30311386 for classification: The genetic causes of hearing loss have not yet been well characterized in the Yoruba population, and the information regarding variant MAF in this population is still limited, so we did not exclude any variant based on their "high" MAF. PP3 criteria was applied even if the REVEL score was below 0.7, if at least two of the pathogenicity prediction algorithms used predicted that the variant was damaging or likely damaging.

was found associated in trans with NM_033056.4:c.3668_3669delTT

Women's Health and Genetics/Laboratory Corporation of America, LabCorp
Classification: Likely pathogenic for Usher syndrome, type 1F. Last evaluated: 2018-06-11. Review status: criteria provided, single submitter. Criteria: LabCorp Variant Classification Summary - May 2015. Collection method: clinical testing. Allele origin: germline.
Comment: Variant summary: PCDH15 c.1737C>G (p.Tyr579X) results in a premature termination codon, predicted to cause a truncation of the encoded protein or absence of the protein due to nonsense mediated decay, which are commonly known mechanisms for disease. Truncations downstream of this position have been classified as pathogenic by our laboratory (e.g., p.Arg991X). The variant allele was found at a frequency of 4.1e-06 in 245806 control chromosomes, which does not exceed the maximal expected allele frequency for a pathogenic variant in PCDH15. c.1737C>G has been reported in the literature in individuals affected with Usher Syndrome Type 1F (Jaijo_2012, Kletke_2017). These data indicate that the variant may be associated with disease. At least one publication reports experimental evidence evaluating an impact on protein function, however, does not allow convincing conclusions about the variant effect. One clinical diagnostic laboratory has submitted clinical-significance assessments for this variant to ClinVar after 2014 and classified the variant as likely pathogenic. Based on the evidence outlined above, the variant was classified as likely pathogenic.

Blueprint Genetics
Classification: Pathogenic for PCDH15-related disorders. Last evaluated: 2017-07-26. Review status: criteria provided, single submitter. Criteria: ACMG Guidelines, 2015. Collection method: clinical testing. Allele origin: germline. Affected: yes. Observed: 2 variant alleles.

Counsyl
Classification: Likely pathogenic for Usher syndrome type 1F. Last evaluated: 2016-09-22. Review status: no assertion criteria provided. Collection method: clinical testing. Allele origin: unknown. Not counted in ClinVar's aggregate classification.

Literature cited by the submitters: PubMed 22815625 (cited by 4 submitters); PubMed 30459346 (cited by Dasa and Labcorp Genetics (formerly Invitae), Labcorp); PubMed 27743452 (cited by 4 submitters); PubMed 30390570 (cited by Natera, Inc.); PubMed 36979683 (cited by Natera, Inc.); PubMed 11398101 (cited by Labcorp Genetics (formerly Invitae), Labcorp); PubMed 11487575 (cited by Labcorp Genetics (formerly Invitae), Labcorp); PubMed 14570705 (cited by Labcorp Genetics (formerly Invitae), Labcorp); PubMed 23451239 (cited by Women's Health and Genetics/Laboratory Corporation of America, LabCorp and Counsyl).